The following is an entry in ClinVar:

ClinVar aggregate classification (germline): Uncertain significance (1 of 4 stars; one submission).

Conditions:
Inborn genetic diseases. Identifiers: MedGen C0950123, MeSH D030342.

gnomAD v4.1: 12 of 1,611,728 alleles (0.00074%); highest among the groups gnomAD compares: Non-Finnish European, 0.00093%; no homozygotes.

Submission:

Ambry Genetics
Classification: Uncertain significance for Inborn genetic diseases. Last evaluated: 2025-09-21. Review status: criteria provided, single submitter. Criteria: Ambry Variant Classification Scheme 2023. Collection method: clinical testing. Allele origin: germline.
Comment: The c.1718T>C (p.I573T) alteration is located in exon 13 (coding exon 13) of the TGFBI gene. This alteration results from a T to C substitution at nucleotide position 1718, causing the isoleucine (I) at amino acid position 573 to be replaced by a threonine (T). Based on data from gnomAD, the C allele has an overall frequency of <0.001% (1/245128) total alleles studied. The highest observed frequency was 0.001% (1/111392) of European (non-Finnish) alleles. Based on insufficient or conflicting evidence, the clinical significance of this alteration remains unclear.

NM_000358.3(TGFBI):c.1718T>C (p.Ile573Thr)

Gene: TGFBI (transforming growth factor beta induced; plus strand). Cytogenetic location: 5q31.1.
Variant type: single nucleotide variant.
Coding change: c.1718T>C on transcript NM_000358.3 (MANE Select); coding-DNA position 1718, T replaced by C.
Protein change: p.Ile573Thr; replaces isoleucine 573 with threonine.
Molecular consequence: missense variant.
Genome position (GRCh38, 1-based): chr5:136,059,129, T>C. VCF-style: chr5-136059129-T-C. GRCh37 (hg19) VCF-style: chr5-135394818-T-C.
Other names: short protein forms I573T.
Identifiers: ClinVar variation 4633061 (VCV004633061.1).